The following is an entry in ClinVar:

NM_000459.5(TEK):c.32G>A (p.Gly11Glu)

Gene: TEK (TEK receptor tyrosine kinase; plus strand). Cytogenetic location: 9p21.2.
Variant type: single nucleotide variant.
Coding change: c.32G>A on transcript NM_000459.5 (MANE Select); coding-DNA position 32, G replaced by A.
Protein change: p.Gly11Glu; replaces glycine 11 with glutamic acid.
Molecular consequence: missense variant.
Genome position (GRCh38, 1-based): chr9:27,109,622, G>A. VCF-style: chr9-27109622-G-A. GRCh37 (hg19) VCF-style: chr9-27109620-G-A.
Other names: c.32G>A, p.Gly11Glu (NM_001290077.2, NM_001290078.2, NM_001375475.1 and 1 more transcripts); short protein forms G11E.
Identifiers: ClinVar variation 1333692 (VCV001333692.2), dbSNP rs2131018026, ClinGen allele CA373118509.

ClinVar aggregate classification (germline): Uncertain significance. Review status: criteria provided, single submitter (1 of 4 stars). 2 submissions from 2 submitters: Uncertain significance (1). 1 of the submissions does not count toward it. Last evaluated 2022-01-03.

Conditions:
Glaucoma 3, primary congenital, E (GLC3E). Identifiers: MedGen C4310639, MONDO:0014998, OMIM 617272.

Submissions (2):

3billion
Classification: Uncertain significance for Glaucoma 3, primary congenital, E. Last evaluated: 2022-01-03. Review status: criteria provided, single submitter. Criteria: ACMG Guidelines, 2015. Collection method: clinical testing. Allele origin: germline. Affected: yes. Observed: 1 heterozygote.
Comment: The variant is not observed in the gnomAD v2.1.1 dataset (PM2_M). Therefore, this variant is classified as uncertain significance according to the recommendation of ACMG/AMP guideline.

Ophthalmo-Genetics Lab, Instituto de Oftalmologia Conde de Valenciana
Classification: Uncertain significance for Glaucoma 3, primary congenital, E. Review status: no assertion criteria provided. Collection method: research. Allele origin: germline. Affected: yes. Observed: 1 heterozygote. Not counted in ClinVar's aggregate classification.

Literature cited by the submitters: DOI 10.3389/fgene.2021.764509 (cited by Ophthalmo-Genetics Lab, Instituto de Oftalmologia Conde de Valenciana).